The following is an entry in ClinVar:

ClinVar aggregate classification (germline): Uncertain significance (1 of 4 stars; one submission).

Submission:

Labcorp Genetics (formerly Invitae), Labcorp
Classification: Uncertain significance. Last evaluated: 2022-06-13. Review status: criteria provided, single submitter. Criteria: Invitae Variant Classification Sherloc (09022015). Collection method: clinical testing. Allele origin: germline.
Comment: This variant is not present in population databases (gnomAD no frequency). In summary, the available evidence is currently insufficient to determine the role of this variant in disease. Therefore, it has been classified as a Variant of Uncertain Significance. Algorithms developed to predict the effect of missense changes on protein structure and function are either unavailable or do not agree on the potential impact of this missense change (SIFT: "Deleterious"; PolyPhen-2: "Not Available"; Align-GVGD: "Class C65"). This variant has not been reported in the literature in individuals affected with COL11A2-related conditions. This sequence change replaces cysteine, which is neutral and slightly polar, with glycine, which is neutral and non-polar, at codon 1655 of the COL11A2 protein (p.Cys1655Gly).

NM_080680.3(COL11A2):c.4963T>G (p.Cys1655Gly)

Gene: COL11A2 (collagen type XI alpha 2 chain; minus strand). Cytogenetic location: 6p21.32.
Variant type: single nucleotide variant.
Coding change: c.4963T>G on transcript NM_080680.3 (MANE Select); coding-DNA position 4963, T replaced by G.
Protein change: p.Cys1655Gly; replaces cysteine 1655 with glycine.
Molecular consequence: missense variant.
Genome position (GRCh38, 1-based): chr6:33,164,374, A>C on the plus strand (T>G on the coding strand, the complement: COL11A2 is on the minus strand). VCF-style: chr6-33164374-A-C. GRCh37 (hg19) VCF-style: chr6-33132151-A-C.
Other names: c.4642T>G, p.Cys1548Gly (NM_080679.3); c.4705T>G, p.Cys1569Gly (NM_080681.3); short protein forms C1548G, C1655G, C1569G.
Identifiers: ClinVar variation 2115442 (VCV002115442.4), dbSNP rs1406447664, ClinGen allele CA363616216.